The following is an entry in ClinVar:

ClinVar aggregate classification (germline): Uncertain significance. Review status: criteria provided, multiple submitters, no conflicts (2 of 4 stars). 2 submissions from 2 submitters: Uncertain significance (2). Last evaluated 2024-12-04.

Conditions:
Inborn genetic diseases. Identifiers: MedGen C0950123, MeSH D030342.

Allele frequency attached by ClinVar (database versions not stated): ESP Exome Variant Server 0.00008.
gnomAD v4.1: 9 of 1,613,606 alleles (0.00056%); highest among the groups gnomAD compares: African/African-American, 0.008%; no homozygotes.

Submissions (2):

Ambry Genetics
Classification: Uncertain significance for Inborn genetic diseases. Last evaluated: 2024-12-04. Review status: criteria provided, single submitter. Criteria: Ambry Variant Classification Scheme 2023. Collection method: clinical testing. Allele origin: germline.

Labcorp Genetics (formerly Invitae), Labcorp
Classification: Uncertain significance. Last evaluated: 2022-03-06. Review status: criteria provided, single submitter. Criteria: Invitae Variant Classification Sherloc (09022015). Collection method: clinical testing. Allele origin: germline.
Comment: This sequence change replaces arginine, which is basic and polar, with leucine, which is neutral and non-polar, at codon 298 of the SLC45A2 protein (p.Arg298Leu). This variant is present in population databases (rs374649089, gnomAD 0.01%). This variant has not been reported in the literature in individuals affected with SLC45A2-related conditions. Algorithms developed to predict the effect of missense changes on protein structure and function are either unavailable or do not agree on the potential impact of this missense change (SIFT: "Deleterious"; PolyPhen-2: "Benign"; Align-GVGD: "Class C25"). In summary, the available evidence is currently insufficient to determine the role of this variant in disease. Therefore, it has been classified as a Variant of Uncertain Significance.

NM_016180.5(SLC45A2):c.893G>T (p.Arg298Leu)

Gene: SLC45A2 (solute carrier family 45 member 2; minus strand). Cytogenetic location: 5p13.2.
Variant type: single nucleotide variant.
Coding change: c.893G>T on transcript NM_016180.5 (MANE Select); coding-DNA position 893, G replaced by T.
Protein change: p.Arg298Leu; replaces arginine 298 with leucine.
Molecular consequence: missense variant. On other transcripts: synonymous variant (1).
Genome position (GRCh38, 1-based): chr5:33,954,500, C>A on the plus strand (G>T on the coding strand, the complement: SLC45A2 is on the minus strand). VCF-style: chr5-33954500-C-A. GRCh37 (hg19) VCF-style: chr5-33954605-C-A.
Other names: c.893G>T (NM_016180.3); c.893G>T, p.Arg298Leu (NM_001012509.4); c.567G>T, p.Ser189= (NM_001297417.4); short protein forms R298L.
Identifiers: ClinVar variation 1954117 (VCV001954117.3), dbSNP rs374649089, ClinGen allele CA116880323.